The following is an entry in ClinVar:

ClinVar aggregate classification (germline): Uncertain significance. Review status: criteria provided, multiple submitters, no conflicts (2 of 4 stars). 5 submissions from 5 submitters: Uncertain significance (5). Last evaluated 2024-10-24.

Conditions:
Alpha-1-antitrypsin deficiency (A1ATD). Also called: AAT deficiency; A1AT deficiency; Alpha1-Antitrypsin Deficiency. Identifiers: Orphanet 60, MedGen C0221757, MONDO:0013282, OMIM 613490.

Allele frequency attached by ClinVar (database versions not stated): 1000 Genomes Project 30x 0.00016; ExAC 0.00018; 1000 Genomes Project 0.00020; gnomAD 0.00021; ESP Exome Variant Server 0.00015; gnomAD exomes 0.00015.

Submissions (5):

Blueprint Genetics
Classification: Uncertain significance. Last evaluated: 2024-10-24. Review status: criteria provided, single submitter. Criteria: ACMG Guidelines, 2015. Collection method: clinical testing. Allele origin: germline.

Fulgent Genetics
Classification: Uncertain significance for Alpha-1-antitrypsin deficiency. Last evaluated: 2022-01-29. Review status: criteria provided, single submitter. Criteria: ACMG Guidelines, 2015. Collection method: clinical testing. Allele origin: unknown.

Labcorp Genetics (formerly Invitae), Labcorp
Classification: Uncertain significance for Alpha-1-antitrypsin deficiency. Last evaluated: 2021-10-14. Review status: criteria provided, single submitter. Criteria: Invitae Variant Classification Sherloc (09022015). Collection method: clinical testing. Allele origin: germline.
Comment: This sequence change replaces serine with phenylalanine at codon 354 of the SERPINA1 protein (p.Ser354Phe). The serine residue is highly conserved and there is a large physicochemical difference between serine and phenylalanine. This variant is present in population databases (rs201788603, ExAC 0.03%). This missense change has been observed in individual(s) with familial spontaneous pneumothorax (PMID: 22215832). ClinVar contains an entry for this variant (Variation ID: 197129). Advanced modeling of protein sequence and biophysical properties (such as structural, functional, and spatial information, amino acid conservation, physicochemical variation, residue mobility, and thermodynamic stability) performed at Invitae indicates that this missense variant is expected to disrupt SERPINA1 protein function. In summary, the available evidence is currently insufficient to determine the role of this variant in disease. Therefore, it has been classified as a Variant of Uncertain Significance.

Illumina Laboratory Services, Illumina
Classification: Uncertain significance for Alpha-1-antitrypsin deficiency. Last evaluated: 2017-04-27. Review status: criteria provided, single submitter. Criteria: ICSL Variant Classification Criteria 13 December 2019. Collection method: clinical testing. Allele origin: germline.
Comment: This variant was observed as part of a predisposition screen in an ostensibly healthy population. A literature search was performed for the gene, cDNA change, and amino acid change (where applicable). Publications were found based on this search. However, the evidence from the literature, in combination with allele frequency data from public databases where available, was not sufficient to rule this variant in or out of causing disease. Therefore, this variant is classified as a variant of unknown significance.

Eurofins Ntd Llc (ga)
Classification: Uncertain significance. Last evaluated: 2014-11-10. Review status: criteria provided, single submitter. Criteria: EGL Classification Definitions 2015. Collection method: clinical testing. Allele origin: germline. Observed: 1 variant allele, 1 heterozygote.

Literature cited by the submitters: PubMed 22215832 (cited by Labcorp Genetics (formerly Invitae), Labcorp and Illumina Laboratory Services, Illumina); PubMed 7977369 (cited by Illumina Laboratory Services, Illumina).

NM_000295.5(SERPINA1):c.1061C>T (p.Ser354Phe)

Gene: SERPINA1 (serpin family A member 1; minus strand). Cytogenetic location: 14q32.13.
Variant type: single nucleotide variant.
Coding change: c.1061C>T on transcript NM_000295.5 (MANE Select); coding-DNA position 1061, C replaced by T.
Protein change: p.Ser354Phe; replaces serine 354 with phenylalanine.
Molecular consequence: missense variant.
Genome position (GRCh38, 1-based): chr14:94,379,468, G>A on the plus strand (C>T on the coding strand, the complement: SERPINA1 is on the minus strand). VCF-style: chr14-94379468-G-A. GRCh37 (hg19) VCF-style: chr14-94845805-G-A.
Other names: c.1061C>T, p.Ser354Phe (NM_001002235.3, NM_001002236.3, NM_001127700.2 and 7 more transcripts); short protein forms S354F.
Identifiers: ClinVar variation 197129 (VCV000197129.12), dbSNP rs201788603, ClinGen allele CA245086.
Genomic context (GRCh38, chr14:94,379,468, plus strand): 5'-CACACATTCTTCCCTACAGATACCAGGGTGCAACAAGGTCGTCAGGGTGATCTCACCTTG[G>A]AGAGCTTCAGGGGTGCCTCCTCTGTGACCCCGGAGAGGTCAGCCCCATTGCTGAAGACCT-3'
Protein context (NP_000286.3, residues 344-364): GVTEEAPLKL[Ser354Phe]KAVHKAVLTI